The following is an entry in ClinVar:

ClinVar aggregate classification (germline): Likely benign. Review status: criteria provided, multiple submitters, no conflicts (2 of 4 stars). 2 submissions from 2 submitters: Likely benign (2). Last evaluated 2025-02-17.

Conditions:
Early Myoclonic Encephalopathy. Identifiers: MedGen C0270855.

Allele frequency attached by ClinVar (database versions not stated): TOPMed 0.00006; gnomAD exomes 0.00014 and 0.00018; ExAC 0.00019; gnomAD 0.00019; 1000 Genomes Project 30x 0.00031; ESP Exome Variant Server 0.00032; 1000 Genomes Project 0.00040.
gnomAD v4.1: 230 of 1,613,808 alleles (0.014%); highest among the groups gnomAD compares: Non-Finnish European, 0.011%; no homozygotes.

Submissions (2):

Labcorp Genetics (formerly Invitae), Labcorp
Classification: Likely benign for Early Myoclonic Encephalopathy. Last evaluated: 2025-02-17. Review status: criteria provided, single submitter. Criteria: Invitae Variant Classification Sherloc (09022015). Collection method: clinical testing. Allele origin: germline.

CeGaT Center for Human Genetics Tuebingen
Classification: Likely benign. Last evaluated: 2023-12-01. Review status: criteria provided, single submitter. Criteria: CeGaT Center For Human Genetics Tuebingen Variant Classification Criteria Version 2. Collection method: clinical testing. Allele origin: germline. Affected: yes. Observed: 1 variant allele.
Comment: JMJD1C: BP4, BP7

NM_032776.3(JMJD1C):c.4380T>C (p.Ser1460=)

Gene: JMJD1C (jumonji domain containing 1C; minus strand). Cytogenetic location: 10q21.3.
Variant type: single nucleotide variant.
Coding change: c.4380T>C on transcript NM_032776.3 (MANE Select); coding-DNA position 4380, T replaced by C.
Protein change: p.Ser1460=; no amino-acid change (serine 1460 retained).
Molecular consequence: synonymous variant. On other transcripts: non-coding transcript variant (1).
Genome position (GRCh38, 1-based): chr10:63,207,289, A>G on the plus strand (T>C on the coding strand, the complement: JMJD1C is on the minus strand). VCF-style: chr10-63207289-A-G. GRCh37 (hg19) VCF-style: chr10-64967049-A-G.
Other names: c.3834T>C, p.Ser1278= (NM_001282948.2, NM_001318154.2); c.3516T>C, p.Ser1172= (NM_001318153.2); c.4266T>C, p.Ser1422= (NM_001322252.2); c.3723T>C, p.Ser1241= (NM_001322254.2, NM_001322258.2).
Identifiers: ClinVar variation 460247 (VCV000460247.34), dbSNP rs142996119, ClinGen allele CA5518278.